The following is an entry in ClinVar:

ClinVar aggregate classification (germline): Uncertain significance (1 of 4 stars; one submission).

Conditions:
FGA-related disorder. Also called: FGA-related disorders; FGA-related condition.

gnomAD v4.1: 2 of 1,614,156 alleles (0.00012%); no homozygotes.

Submission:

PreventionGenetics, part of Exact Sciences
Classification: Uncertain significance for FGA-related condition. Last evaluated: 2024-10-25. Review status: criteria provided, single submitter. Criteria: ACMG Guidelines, 2015. Collection method: clinical testing. Allele origin: germline.
Comment: The FGA c.1289C>A variant is predicted to result in the amino acid substitution p.Thr430Lys. To our knowledge, this variant has not been reported in the literature or in a large population database (gnomAD), indicating this variant is rare. At this time, the clinical significance of this variant is uncertain due to the absence of conclusive functional and genetic evidence.

NM_021871.4(FGA):c.1289C>A (p.Thr430Lys)

Gene: FGA (fibrinogen alpha chain; minus strand). Cytogenetic location: 4q31.3.
Variant type: single nucleotide variant.
Coding change: c.1289C>A on transcript NM_021871.4 (MANE Select); coding-DNA position 1289, C replaced by A.
Protein change: p.Thr430Lys; replaces threonine 430 with lysine.
Molecular consequence: missense variant.
Genome position (GRCh38, 1-based): chr4:154,586,140, G>T on the plus strand (C>A on the coding strand, the complement: FGA is on the minus strand). VCF-style: chr4-154586140-G-T. GRCh37 (hg19) VCF-style: chr4-155507292-G-T.
Other names: c.1289C>A, p.Thr430Lys (NM_000508.5); short protein forms T430K.
Identifiers: ClinVar variation 4987675 (VCV004987675.1).